The following is an entry in ClinVar:

ClinVar aggregate classification (germline): Pathogenic. Review status: criteria provided, multiple submitters, no conflicts (2 of 4 stars). 4 submissions from 4 submitters: Pathogenic (4). Last evaluated 2025-09-16.

Conditions:
Progressive sclerosing poliodystrophy (MTDPS4A). Also called: Mitochondrial DNA Depletion Syndrome 4A; Alpers-Huttenlocher Syndrome (AHS); ALPERS PROGRESSIVE INFANTILE POLIODYSTROPHY; Alpers Syndrome; ALPERS DIFFUSE DEGENERATION OF CEREBRAL GRAY MATTER WITH HEPATIC CIRRHOSIS; Alpers-Huttenlocher Syndrome. Identifiers: Orphanet 726, MedGen C0205710, MONDO:0008758, OMIM 203700.
POLG-related disorder. Also called: POLG-related condition; POLG-Related Disorders; POLG-Related Spectrum Disorders. Identifiers: MedGen C4763519.
Mitochondrial DNA depletion syndrome 4b. Also called: Mitochondrial Neurogastrointestinal Encephalopathy Disease, POLG-Related; MNGIE, POLG-RELATED. Identifiers: Orphanet 298, MedGen C3150914, MONDO:0013350, OMIM 613662.
Progressive external ophthalmoplegia with mitochondrial DNA deletions, autosomal dominant 1 (PEOA1). Also called: PROGRESSIVE EXTERNAL OPHTHALMOPLEGIA, AUTOSOMAL DOMINANT 1; Autosomal Dominant Progressive External Ophthalmoplegia (adPEO). Identifiers: MedGen C1834846, MONDO:0024528, OMIM 157640.
Progressive external ophthalmoplegia with mitochondrial DNA deletions, autosomal recessive 1 (PEOB1). Also called: Autosomal Recessive Progressive External Ophthalmoplegia (arPEO); Progressive external ophthalmoplegia, autosomal recessive 1. Identifiers: Orphanet 254886, MedGen C4225153, MONDO:0009783, OMIM 258450.
Sensory ataxic neuropathy, dysarthria, and ophthalmoparesis (SANDO). Also called: Sensory ataxic neuropathy-dysarthria-ophthalmoparesis syndrome; SENSORY ATAXIC NEUROPATHY WITH MITOCHONDRIAL DNA DELETIONS, AUTOSOMAL RECESSIVE; Ataxia Neuropathy Spectrum (ANS); Epilepsy, progressive myoclonic, type 5. Identifiers: Orphanet 70595, MedGen C1843851, MONDO:0011835, OMIM 607459.

Allele frequency attached by ClinVar (database versions not stated): gnomAD exomes below 0.00001.
gnomAD v4.1: 1 of 1,614,216 alleles (0.000062%); highest among the groups gnomAD compares: Admixed American, 0.0017%; no homozygotes.

Submissions (4):

PreventionGenetics, part of Exact Sciences
Classification: Pathogenic for POLG-related condition. Last evaluated: 2025-09-16. Review status: criteria provided, single submitter. Criteria: ACMG Guidelines, 2015. Collection method: clinical testing. Allele origin: germline.
Comment: The POLG c.1457G>A variant is predicted to result in premature protein termination (p.Trp486*). This variant was previously reported in the compound heterozygous state in an individual with mitochondrial Parkinsonism (Lopriore et al. 2024. PubMed ID: 38943319). This variant has not been reported in a large population database (gnomAD), indicating this variant is rare. Nonsense variants in POLG are expected to be pathogenic for autosomal recessive POLG-related disease. This variant is interpreted as pathogenic.

Labcorp Genetics (formerly Invitae), Labcorp
Classification: Pathogenic for Progressive sclerosing poliodystrophy. Last evaluated: 2025-01-19. Review status: criteria provided, single submitter. Criteria: Invitae Variant Classification Sherloc (09022015). Collection method: clinical testing. Allele origin: germline.
Comment: This sequence change creates a premature translational stop signal (p.Trp486*) in the POLG gene. It is expected to result in an absent or disrupted protein product. Loss-of-function variants in POLG are known to be pathogenic (PMID: 18546365). This variant is not present in population databases (gnomAD no frequency). This variant has not been reported in the literature in individuals affected with POLG-related conditions. ClinVar contains an entry for this variant (Variation ID: 1455434). For these reasons, this variant has been classified as Pathogenic.

Myriad Genetics, Inc.
Classification: Pathogenic for POLG-related disorder. Last evaluated: 2024-08-03. Review status: criteria provided, single submitter. Criteria: Myriad Autosomal Dominant, Autosomal Recessive and X-Linked Classification Criteria (2023). Collection method: clinical testing. Allele origin: unknown.
Comment: NM_002693.2(POLG):c.1457G>A(W486*) is expected to be pathogenic in the context of POLG-related disorders. This variant is predicted to lead to an abnormal or absent protein product due to the creation of a premature termination codon in POLG, a gene where loss-of-function variants are known to be pathogenic. Please note: this variant was assessed in the context of healthy population screening.

Molecular Genetics and NGS Laboratory, Hospital Fundacion Valle Del Lili
Classification: Pathogenic for Progressive sclerosing poliodystrophy; Mitochondrial DNA depletion syndrome 4b; Sensory ataxic neuropathy, dysarthria, and ophthalmoparesis; Progressive external ophthalmoplegia with mitochondrial DNA deletions, autosomal dominant 1; Progressive external ophthalmoplegia with mitochondrial DNA deletions, autosomal recessive 1. Last evaluated: 2024-01-31. Review status: criteria provided, single submitter. Criteria: ACMG Guidelines, 2015. Collection method: clinical testing. Allele origin: germline. Affected: yes. Observed: 1 variant allele.

Literature cited by the submitters: PubMed 18546365 (cited by Labcorp Genetics (formerly Invitae), Labcorp).

NM_002693.3(POLG):c.1457G>A (p.Trp486Ter)

Gene: POLG (DNA polymerase gamma, catalytic subunit; minus strand). Cytogenetic location: 15q26.1.
Variant type: single nucleotide variant.
Coding change: c.1457G>A on transcript NM_002693.3 (MANE Select); coding-DNA position 1457, G replaced by A.
Protein change: p.Trp486Ter; replaces tryptophan 486 with a stop codon.
Molecular consequence: nonsense.
Genome position (GRCh38, 1-based): chr15:89,327,040, C>T on the plus strand (G>A on the coding strand, the complement: POLG is on the minus strand). VCF-style: chr15-89327040-C-T. GRCh37 (hg19) VCF-style: chr15-89870271-C-T.
Other names: p.Trp486Ter; c.1457G>A, p.Trp486Ter (NM_001126131.2); c.1457G>A (NM_002693.2); short protein forms W486*.
Identifiers: ClinVar variation 1455434 (VCV001455434.9), dbSNP rs2055531147, ClinGen allele CA393761144.